The following is an entry in ClinVar:

ClinVar aggregate classification (germline): Uncertain significance. Review status: criteria provided, multiple submitters, no conflicts (2 of 4 stars). 3 submissions from 3 submitters: Uncertain significance (3). Last evaluated 2025-10-07.

Conditions:
POLD1-related polyposis and colorectal cancer syndrome (CRCS10). Also called: Colorectal cancer, susceptibility to, 10; Colorectal cancer 10; COLORECTAL CANCER, SUSCEPTIBILITY TO, ON CHROMOSOME 19q. Identifiers: Orphanet 220460, MedGen C2675481, MONDO:0012953, OMIM 612591.
Hereditary cancer-predisposing syndrome. Also called: Hereditary Cancer Syndrome; Hereditary neoplastic syndrome; Neoplastic Syndromes, Hereditary; Tumor predisposition. Identifiers: Orphanet 140162, MedGen C0027672, MeSH D009386, MONDO:0015356.

Submissions (3):

Ambry Genetics
Classification: Uncertain significance for Hereditary cancer-predisposing syndrome. Last evaluated: 2025-10-07. Review status: criteria provided, single submitter. Criteria: Ambry Variant Classification Scheme 2023. Collection method: clinical testing. Allele origin: germline.
Comment: The p.F637L variant (also known as c.1911C>G), located in coding exon 15 of the POLD1 gene, results from a C to G substitution at nucleotide position 1911. The phenylalanine at codon 637 is replaced by leucine, an amino acid with highly similar properties. This amino acid position is highly conserved in available vertebrate species. In addition, this alteration is predicted to be tolerated by in silico analysis. Based on the available evidence, the clinical significance of this variant remains unclear.

GeneDx
Classification: Uncertain significance. Last evaluated: 2023-02-24. Review status: criteria provided, single submitter. Criteria: GeneDx Variant Classification Process June 2021. Collection method: clinical testing. Allele origin: germline. Affected: yes.
Comment: Not observed at significant frequency in large population cohorts (gnomAD); In silico analysis supports that this missense variant has a deleterious effect on protein structure/function; Has not been previously published as pathogenic or benign to our knowledge

Labcorp Genetics (formerly Invitae), Labcorp
Classification: Uncertain significance for POLD1-related polyposis and colorectal cancer syndrome. Last evaluated: 2023-02-23. Review status: criteria provided, single submitter. Criteria: Invitae Variant Classification Sherloc (09022015). Collection method: clinical testing. Allele origin: germline.
Comment: Advanced modeling of protein sequence and biophysical properties (such as structural, functional, and spatial information, amino acid conservation, physicochemical variation, residue mobility, and thermodynamic stability) performed at Invitae indicates that this missense variant is not expected to disrupt POLD1 protein function. This variant has not been reported in the literature in individuals affected with POLD1-related conditions. This variant is not present in population databases (gnomAD no frequency). This sequence change replaces phenylalanine, which is neutral and non-polar, with leucine, which is neutral and non-polar, at codon 637 of the POLD1 protein (p.Phe637Leu). Algorithms developed to predict the effect of sequence changes on RNA splicing suggest that this variant may disrupt the consensus splice site. In summary, the available evidence is currently insufficient to determine the role of this variant in disease. Therefore, it has been classified as a Variant of Uncertain Significance.

NM_002691.4(POLD1):c.1911C>G (p.Phe637Leu)

Gene: POLD1 (DNA polymerase delta 1, catalytic subunit; plus strand). Cytogenetic location: 19q13.33.
Variant type: single nucleotide variant.
Coding change: c.1911C>G on transcript NM_002691.4 (MANE Select); coding-DNA position 1911, C replaced by G.
Protein change: p.Phe637Leu; replaces phenylalanine 637 with leucine.
Molecular consequence: missense variant. On other transcripts: non-coding transcript variant (1).
Genome position (GRCh38, 1-based): chr19:50,409,140, C>G. VCF-style: chr19-50409140-C-G. GRCh37 (hg19) VCF-style: chr19-50912397-C-G.
Other names: c.1911C>G, p.Phe637Leu (NM_001256849.1); c.1989C>G, p.Phe663Leu (NM_001308632.1); c.1911C>G (NM_002691.2); short protein forms F637L, F663L.
Identifiers: ClinVar variation 2577640 (VCV002577640.5), dbSNP rs2514015022, ClinGen allele CA406982226.
Genomic context (GRCh38, chr19:50,409,140, plus strand): 5'-CAGGAGGGTGGCCGGCAGTCACCCCAACATCTTCCAACCCAGCCTGACTGAGGATCAGTT[C>G]ATCAGGACCCCCACCGGGGACGAGTTTGTGAAGACCTCAGTGCGGAAGGGGCTGCTGCCC-3'
Protein context (NP_002682.2, residues 627-647): AQKLGLTEDQ[Phe637Leu]IRTPTGDEFV